The following is an entry in ClinVar:

ClinVar aggregate classification (germline): Benign. Review status: criteria provided, multiple submitters, no conflicts (2 of 4 stars). 3 submissions from 3 submitters: Benign (2). 1 of the submissions does not count toward it. Last evaluated 2019-12-31.

Conditions:
MYCBP2-related disorder. Also called: MYCBP2-related condition.

Allele frequency attached by ClinVar (database versions not stated): gnomAD 0.01877 and 0.01755; 1000 Genomes Project 30x 0.01983; TOPMed 0.01871; 1000 Genomes Project 0.01957; ESP Exome Variant Server 0.02114.
gnomAD v4.1: 5,084 of 1,614,044 alleles (0.31%); highest among the groups gnomAD compares: African/African-American, 6%; 133 homozygotes.

Submissions (4):

Labcorp Genetics (formerly Invitae), Labcorp
Classification: Benign. Last evaluated: 2019-12-31. Review status: criteria provided, single submitter. Criteria: Invitae Variant Classification Sherloc (09022015). Collection method: clinical testing. Allele origin: germline.

Breakthrough Genomics
Classification: Benign. Review status: criteria provided, single submitter. Criteria: ACMG Guidelines, 2015. Collection method: not provided. Allele origin: germline. Inheritance: Unknown mechanism. Affected: yes.

PreventionGenetics, part of Exact Sciences
Classification: Benign for MYCBP2-related condition. Last evaluated: 2019-04-25. Review status: no assertion criteria provided. Collection method: clinical testing. Allele origin: germline. Not counted in ClinVar's aggregate classification.
Comment: This variant is classified as benign based on ACMG/AMP sequence variant interpretation guidelines (Richards et al. 2015 PMID: 25741868, with internal and published modifications).

Dr. Peter K. Rogan Lab, Western University
No classification provided (evidence only). Condition: Thyroid cancer, nonmedullary, 1. Review status: no classification provided. Collection method: in vitro. Allele origin: not applicable. Functional consequence: retained intron. Not counted in ClinVar's aggregate classification.

NM_015057.5(MYCBP2):c.5755G>T (p.Ala1919Ser)

Gene: MYCBP2 (MYC binding protein 2; minus strand). Cytogenetic location: 13q22.3.
Variant type: single nucleotide variant.
Coding change: c.5755G>T on transcript NM_015057.5 (MANE Select); coding-DNA position 5755, G replaced by T.
Protein change: p.Ala1919Ser; replaces alanine 1919 with serine.
Molecular consequence: missense variant.
Genome position (GRCh38, 1-based): chr13:77,171,531, C>A on the plus strand (G>T on the coding strand, the complement: MYCBP2 is on the minus strand). VCF-style: chr13-77171531-C-A. GRCh37 (hg19) VCF-style: chr13-77745666-C-A.
Other names: NC_000013.10:g.77745666C>A; short protein forms A1919S.
Identifiers: ClinVar variation 779646 (VCV000779646.8), dbSNP rs35887505, ClinGen allele CA7009420.